The following is an entry in ClinVar:

ClinVar aggregate classification (germline): Likely pathogenic (1 of 4 stars; one submission).

Conditions:
Familial hyperparathyroidism or Hypocalciuric hypercalcaemia.

Submission:

Cambridge Genomics Laboratory, East Genomic Laboratory Hub, NHS Genomic Medicine Service
Classification: Likely pathogenic for Familial hyperparathyroidism or Hypocalciuric hypercalcaemia. Last evaluated: 2025-09-17. Review status: criteria provided, single submitter. Criteria: ACGS Best Practice Guidelines for Variant Classification in Rare Disease 2020. Collection method: clinical testing. Allele origin: germline. Affected: yes.
Comment: PM1_Supporting,PM2,PM5_Supporting,PP3,PP4_Moderate

NM_000388.4(CASR):c.2360G>T (p.Cys787Phe)

Gene: CASR (calcium sensing receptor; plus strand). Cytogenetic location: 3q21.1.
Variant type: single nucleotide variant.
Coding change: c.2360G>T on transcript NM_000388.4 (MANE Select); coding-DNA position 2360, G replaced by T.
Protein change: p.Cys787Phe; replaces cysteine 787 with phenylalanine.
Molecular consequence: missense variant.
Genome position (GRCh38, 1-based): chr3:122,284,314, G>T. VCF-style: chr3-122284314-G-T. GRCh37 (hg19) VCF-style: chr3-122003161-G-T.
Other names: c.2390G>T, p.Cys797Phe (NM_001178065.2); short protein forms C797F, C787F.
Identifiers: ClinVar variation 4540596 (VCV004540596.1).